The following is an entry in ClinVar:

ClinVar aggregate classification (germline): Uncertain significance. Review status: criteria provided, single submitter (1 of 4 stars). 2 submissions from 2 submitters: Uncertain significance (1). 1 of the submissions does not count toward it. Last evaluated 2020-06-24.

Conditions:
Autosomal recessive Alport syndrome (ATS2). Also called: ALPORT SYNDROME 2, AUTOSOMAL RECESSIVE; Alport syndrome type 2; COL4A3-Related Nephropathy; COL4A4 Alport Syndrome and Thin Basement Membrane Nephropathy. Identifiers: Orphanet 63, Orphanet 88919, MedGen C4746745, MONDO:0008762, OMIM 203780.

Submissions (2):

GeneDx
Classification: Uncertain significance. Last evaluated: 2020-06-24. Review status: criteria provided, single submitter. Criteria: GeneDx Variant Classification Process June 2021. Collection method: clinical testing. Allele origin: germline. Affected: yes.
Comment: In-frame deletion of 1 amino acids in a non-repeat region; Not observed at a significant frequency in large population cohorts (Lek et al., 2016); In silico analysis supports that this variant does not alter protein structure/function; Has not been previously published as pathogenic or benign to our knowledge

Counsyl
Classification: Uncertain significance for Autosomal recessive Alport syndrome. Last evaluated: 2017-12-01. Review status: no assertion criteria provided. Collection method: clinical testing. Allele origin: unknown. Not counted in ClinVar's aggregate classification.

NM_000091.5(COL4A3):c.4326_4328del (p.Thr1443del)

Genes: MFF-DT (MFF divergent transcript; minus strand), COL4A3 (collagen type IV alpha 3 chain; plus strand). Cytogenetic location: 2q36.3.
Variant type: Deletion.
Coding change: c.4326_4328del on transcript NM_000091.5 (MANE Select); coding-DNA positions 4326 to 4328, 3 bases deleted (AAC; older notation c.4326_4328delAAC).
Protein change: p.Thr1443del; deletes threonine 1443.
Molecular consequence: inframe deletion.
Genome position (GRCh38, 1-based): chr2:227,307,783-227,307,785, AAC deleted; deleting any 3 consecutive bases within chr2:227,307,781-227,307,785 gives the same sequence; the c. name uses the placement nearest the transcript's 3' end. VCF-style (leftmost placement, unchanged base first): chr2-227307780-GACA-G. GRCh37 (hg19) VCF-style: chr2-228172496-GACA-G.
Other names: c.4326_4328delAAC (NM_000091.4); short protein forms T1443del.
Identifiers: ClinVar variation 555238 (VCV000555238.4), dbSNP rs941454321, ClinGen allele CA66620043.